The following is an entry in ClinVar:

ClinVar aggregate classification (germline): Uncertain significance (1 of 4 stars; one submission).

Conditions:
RASopathy. Also called: rasopathies; Noonan spectrum disorder. Identifiers: Orphanet 536391, MedGen C5555857, MONDO:0021060.

Allele frequency attached by ClinVar (database versions not stated): gnomAD exomes 0.00001; ExAC 0.00002.
gnomAD v4.1: 10 of 1,612,970 alleles (0.00062%); highest among the groups gnomAD compares: South Asian, 0.0022%; no homozygotes.

Submission:

Labcorp Genetics (formerly Invitae), Labcorp
Classification: Uncertain significance for RASopathy. Last evaluated: 2016-05-17. Review status: criteria provided, single submitter. Criteria: Invitae Variant Classification Sherloc (09022015). Collection method: clinical testing. Allele origin: germline.
Comment: This variant is present in population databases (rs746348396, ExAC <0.01%) but has not been reported in the literature in individuals with a BRAF-related disease. In summary, this variant is a rare missense change with uncertain impact on protein function. There is no indication that it causes disease, but the available evidence is currently insufficient to prove that conclusively. Therefore, it has been classified as a Variant of Uncertain Significance. Algorithms developed to predict the effect of missense changes on protein structure and function do not agree on the potential impact of this missense change (SIFT: "Tolerated"; PolyPhen-2: "Possibly Damaging"; Align-GVGD: "Class C0"). This sequence change replaces arginine with glutamine at codon 178 of the BRAF protein (p.Arg178Gln). The arginine residue is highly conserved and there is a small physicochemical difference between arginine and glutamine.

NM_004333.6(BRAF):c.533G>A (p.Arg178Gln)

Gene: BRAF (B-Raf proto-oncogene, serine/threonine kinase; minus strand). Cytogenetic location: 7q34.
Variant type: single nucleotide variant.
Coding change: c.533G>A on transcript NM_004333.6 (MANE Select); coding-DNA position 533, G replaced by A.
Protein change: p.Arg178Gln; replaces arginine 178 with glutamine.
Molecular consequence: missense variant.
Genome position (GRCh38, 1-based): chr7:140,808,967, C>T on the plus strand (G>A on the coding strand, the complement: BRAF is on the minus strand). VCF-style: chr7-140808967-C-T. GRCh37 (hg19) VCF-style: chr7-140508767-C-T.
Other names: c.533G>A, p.Arg178Gln (NM_001354609.2, NM_001374244.1, NM_001374258.1 and 5 more transcripts); c.431G>A, p.Arg144Gln (NM_001378470.1); c.377G>A, p.Arg126Gln (NM_001378472.1, NM_001378473.1); c.269G>A, p.Arg90Gln (NM_001378475.1); short protein forms R178Q, R126Q, R144Q, R90Q.
Identifiers: ClinVar variation 412320 (VCV000412320.8), dbSNP rs746348396, ClinGen allele CA4516947.